The following is an entry in ClinVar:

NM_000492.4(CFTR):c.2929T>C (p.Ser977Pro)

Genes: CFTR (CF transmembrane conductance regulator; plus strand), CFTR-AS2 (CFTR antisense RNA 2; minus strand). Cytogenetic location: 7q31.2.
Variant type: single nucleotide variant.
Coding change: c.2929T>C on transcript NM_000492.4 (MANE Select); coding-DNA position 2929, T replaced by C.
Protein change: p.Ser977Pro; replaces serine 977 with proline.
Molecular consequence: missense variant.
Genome position (GRCh38, 1-based): chr7:117,606,694, T>C. VCF-style: chr7-117606694-T-C. GRCh37 (hg19) VCF-style: chr7-117246748-T-C.
Other names: short protein forms S977P.
Identifiers: ClinVar variation 53599 (VCV000053599.6), dbSNP rs137975784, ClinGen allele CA326973.

ClinVar aggregate classification (germline): Conflicting classifications of pathogenicity. Review status: criteria provided, conflicting classifications (1 of 4 stars). 4 submissions from 4 submitters: Likely pathogenic (1); Uncertain significance (2). 1 of the submissions does not count toward it. Last evaluated 2026-03-17.

Conditions:
Cystic fibrosis (CF). Also called: MUCOVISCIDOSIS. Identifiers: Orphanet 586, MedGen C0010674, MONDO:0009061, OMIM 219700. Disease mechanism: loss of function.

Submissions (4):

Ambry Genetics
Classification: Uncertain significance for Cystic fibrosis. Last evaluated: 2026-03-17. Review status: criteria provided, single submitter. Criteria: Ambry Variant Classification Scheme 2023. Collection method: clinical testing. Allele origin: germline.
Comment: The p.S977P variant (also known as c.2929T>C), located in coding exon 18 of the CFTR gene, results from a T to C substitution at nucleotide position 2929. The serine at codon 977 is replaced by proline, an amino acid with similar properties. This amino acid position is well conserved in available vertebrate species. In addition, this alteration is predicted to be deleterious by in silico analysis. Based on the available evidence, the clinical significance of this variant remains unclear.

Labcorp Genetics (formerly Invitae), Labcorp
Classification: Uncertain significance for Cystic fibrosis. Last evaluated: 2023-04-06. Review status: criteria provided, single submitter. Criteria: Invitae Variant Classification Sherloc (09022015). Collection method: clinical testing. Allele origin: germline.
Comment: This sequence change replaces serine, which is neutral and polar, with proline, which is neutral and non-polar, at codon 977 of the CFTR protein (p.Ser977Pro). This variant is present in population databases (rs137975784, gnomAD 0.006%). This missense change has been observed in individual(s) with clinical features of CFTR-related conditions (PMID: 8956039, 10439967, 32777524). ClinVar contains an entry for this variant (Variation ID: 53599). Advanced modeling of protein sequence and biophysical properties (such as structural, functional, and spatial information, amino acid conservation, physicochemical variation, residue mobility, and thermodynamic stability) performed at Invitae indicates that this missense variant is expected to disrupt CFTR protein function. This variant disrupts the p.Ser977 amino acid residue in CFTR. Other variant(s) that disrupt this residue have been determined to be pathogenic (PMID: 19318346, 23361109, 23891399). This suggests that this residue is clinically significant, and that variants that disrupt this residue are likely to be disease-causing. In summary, the available evidence is currently insufficient to determine the role of this variant in disease. Therefore, it has been classified as a Variant of Uncertain Significance.

Institute of Human Genetics, University of Leipzig Medical Center
Classification: Likely pathogenic for Cystic fibrosis. Last evaluated: 2022-09-05. Review status: criteria provided, single submitter. Criteria: ACMG Guidelines, 2015. Collection method: curation. Allele origin: unknown. Affected: yes. Observed: 1 variant allele.
Comment: The variant was classified in the context of a project re-classifying variants in the German Cystic Fibrosis Registry (Muko.e.V.). Criteria applied: PM3, PM2_SUP, PM5, PP3, PP4

ClinVar Staff, National Center for Biotechnology Information (NCBI)
No classification provided. Condition: CFTR-related disorders. Review status: no classification provided. Collection method: literature only. Allele origin: germline. Affected: yes. Not counted in ClinVar's aggregate classification.

Literature cited by the submitters: PubMed 8956039 (cited by Labcorp Genetics (formerly Invitae), Labcorp and ClinVar Staff, National Center for Biotechnology Information (NCBI)); PubMed 10439967 (cited by Labcorp Genetics (formerly Invitae), Labcorp); PubMed 32777524 (cited by Labcorp Genetics (formerly Invitae), Labcorp); PubMed 19318346 (cited by Labcorp Genetics (formerly Invitae), Labcorp); PubMed 23361109 (cited by Labcorp Genetics (formerly Invitae), Labcorp); PubMed 23891399 (cited by Labcorp Genetics (formerly Invitae), Labcorp).